The following is an entry in ClinVar:

NM_015895.5(GMNN):c.287C>G (p.Ser96Cys)

Gene: GMNN (geminin DNA replication inhibitor; plus strand). Cytogenetic location: 6p22.3.
Variant type: single nucleotide variant.
Coding change: c.287C>G on transcript NM_015895.5 (MANE Select); coding-DNA position 287, C replaced by G.
Protein change: p.Ser96Cys; replaces serine 96 with cysteine.
Molecular consequence: missense variant.
Genome position (GRCh38, 1-based): chr6:24,784,099, C>G. VCF-style: chr6-24784099-C-G. GRCh37 (hg19) VCF-style: chr6-24784327-C-G.
Other names: c.287C>G, p.Ser96Cys (NM_001251989.2, NM_001251990.2, NM_001251991.1); short protein forms S96C.
Identifiers: ClinVar variation 1982523 (VCV001982523.4), dbSNP rs377373371, ClinGen allele CA3658873.
Genomic context (GRCh38, chr6:24,784,099, plus strand): 5'-GTTTTGACAGTAATGATTTTTAAAGTTATATTTAAAATATTATTTTAGAAAATCCATCCT[C>G]TCAGTATTGGAAGGAAGTGGCAGAAAAACGGAGAAAGGCGCTGTATGAAGCACTTAAGGA-3'
Protein context (NP_056979.1, residues 86-106): FDLMIKENPS[Ser96Cys]QYWKEVAEKR

ClinVar aggregate classification (germline): Uncertain significance (1 of 4 stars; one submission).

Allele frequency attached by ClinVar (database versions not stated): gnomAD exomes below 0.00001; TOPMed below 0.00001; ExAC 0.00001; gnomAD 0.00001; ESP Exome Variant Server 0.00008.
gnomAD v4.1: 2 of 1,431,158 alleles (0.00014%); highest among the groups gnomAD compares: African/African-American, 0.0028%; no homozygotes.

Submission:

Labcorp Genetics (formerly Invitae), Labcorp
Classification: Uncertain significance. Last evaluated: 2025-06-20. Review status: criteria provided, single submitter. Criteria: Invitae Variant Classification Sherloc (09022015). Collection method: clinical testing. Allele origin: germline.
Comment: This sequence change replaces serine, which is neutral and polar, with cysteine, which is neutral and slightly polar, at codon 96 of the GMNN protein (p.Ser96Cys). This variant is present in population databases (rs377373371, gnomAD 0.008%). This variant has not been reported in the literature in individuals affected with GMNN-related conditions. ClinVar contains an entry for this variant (Variation ID: 1982523). An algorithm developed to predict the effect of missense changes on protein structure and function (PolyPhen-2) suggests that this variant is likely to be disruptive. In summary, the available evidence is currently insufficient to determine the role of this variant in disease. Therefore, it has been classified as a Variant of Uncertain Significance.